The following is an entry in ClinVar:

ClinVar aggregate classification (germline): Uncertain significance (1 of 4 stars; one submission).

Conditions:
MEGF10-related myopathy (CMYO10A). Also called: Congenital myopathy 10A, severe variant. Identifiers: Orphanet 439212, MedGen C3280679, MONDO:0013731, OMIM 614399.

Allele frequency attached by ClinVar (database versions not stated): gnomAD 0.00001; TOPMed 0.00002.

Submission:

Labcorp Genetics (formerly Invitae), Labcorp
Classification: Uncertain significance for MEGF10-related myopathy. Last evaluated: 2022-07-19. Review status: criteria provided, single submitter. Criteria: Invitae Variant Classification Sherloc (09022015). Collection method: clinical testing. Allele origin: germline.
Comment: This sequence change replaces isoleucine, which is neutral and non-polar, with valine, which is neutral and non-polar, at codon 877 of the MEGF10 protein (p.Ile877Val). This variant is present in population databases (rs762333863, gnomAD 0.002%). This variant has not been reported in the literature in individuals affected with MEGF10-related conditions. ClinVar contains an entry for this variant (Variation ID: 1357614). Algorithms developed to predict the effect of missense changes on protein structure and function output the following: SIFT: "Tolerated"; PolyPhen-2: "Benign"; Align-GVGD: "Class C0". The valine amino acid residue is found in multiple mammalian species, which suggests that this missense change does not adversely affect protein function. In summary, the available evidence is currently insufficient to determine the role of this variant in disease. Therefore, it has been classified as a Variant of Uncertain Significance.

NM_001256545.2(MEGF10):c.2629A>G (p.Ile877Val)

Gene: MEGF10 (multiple EGF like domains 10; plus strand). Cytogenetic location: 5q23.2.
Variant type: single nucleotide variant.
Coding change: c.2629A>G on transcript NM_001256545.2 (MANE Select); coding-DNA position 2629, A replaced by G.
Protein change: p.Ile877Val; replaces isoleucine 877 with valine.
Molecular consequence: missense variant.
Genome position (GRCh38, 1-based): chr5:127,445,594, A>G. VCF-style: chr5-127445594-A-G. GRCh37 (hg19) VCF-style: chr5-126781286-A-G.
Other names: c.2629A>G, p.Ile877Val (NM_032446.3); short protein forms I877V.
Identifiers: ClinVar variation 1357614 (VCV001357614.5), dbSNP rs762333863, ClinGen allele CA3391981.